The following is an entry in ClinVar:

NM_007272.3(CTRC):c.145T>C (p.Tyr49His)

Gene: CTRC (chymotrypsin C; plus strand). Cytogenetic location: 1p36.21.
Variant type: single nucleotide variant.
Coding change: c.145T>C on transcript NM_007272.3 (MANE Select); coding-DNA position 145, T replaced by C.
Protein change: p.Tyr49His; replaces tyrosine 49 with histidine.
Molecular consequence: missense variant.
Genome position (GRCh38, 1-based): chr1:15,440,505, T>C. VCF-style: chr1-15440505-T-C. GRCh37 (hg19) VCF-style: chr1-15767001-T-C.
Other names: short protein forms Y49H.
Identifiers: ClinVar variation 1517914 (VCV001517914.11), dbSNP rs78247007, ClinGen allele CA613239.

ClinVar aggregate classification (germline): Uncertain significance. Review status: criteria provided, multiple submitters, no conflicts (2 of 4 stars). 2 submissions from 2 submitters: Uncertain significance (2). Last evaluated 2025-08-03.

Conditions:
Hereditary pancreatitis (PCTT). Also called: Hereditary chronic pancreatitis; PRSS1-Related Hereditary Pancreatitis. Identifiers: Orphanet 676, MedGen C0238339, MONDO:0008185, OMIM 167800.

Allele frequency attached by ClinVar (database versions not stated): gnomAD exomes below 0.00001 and 0.00001; ExAC 0.00001; gnomAD 0.00001; 1000 Genomes Project 30x 0.00016; 1000 Genomes Project 0.00020.
gnomAD v4.1: 9 of 1,614,164 alleles (0.00056%); highest among the groups gnomAD compares: East Asian, 0.02%; no homozygotes.

Submissions (2):

Ambry Genetics
Classification: Uncertain significance for Hereditary pancreatitis. Last evaluated: 2025-08-03. Review status: criteria provided, single submitter. Criteria: Ambry Variant Classification Scheme 2023. Collection method: clinical testing. Allele origin: germline.
Comment: The p.Y49H variant (also known as c.145T>C), located in coding exon 3 of the CTRC gene, results from a T to C substitution at nucleotide position 145. The tyrosine at codon 49 is replaced by histidine, an amino acid with similar properties. This amino acid position is highly conserved in available vertebrate species. In addition, this alteration is predicted to be deleterious by in silico analysis. Since supporting evidence is limited at this time, the clinical significance of this alteration remains unclear.

Labcorp Genetics (formerly Invitae), Labcorp
Classification: Uncertain significance for Hereditary pancreatitis. Last evaluated: 2025-04-21. Review status: criteria provided, single submitter. Criteria: Invitae Variant Classification Sherloc (09022015). Collection method: clinical testing. Allele origin: germline.
Comment: This sequence change replaces tyrosine, which is neutral and polar, with histidine, which is basic and polar, at codon 49 of the CTRC protein (p.Tyr49His). This variant is present in population databases (rs78247007, gnomAD 0.006%). This variant has not been reported in the literature in individuals affected with CTRC-related conditions. ClinVar contains an entry for this variant (Variation ID: 1517914). Invitae Evidence Modeling of protein sequence and biophysical properties (such as structural, functional, and spatial information, amino acid conservation, physicochemical variation, residue mobility, and thermodynamic stability) has been performed for this missense variant. However, the output from this modeling did not meet the statistical confidence thresholds required to predict the impact of this variant on CTRC protein function. In summary, the available evidence is currently insufficient to determine the role of this variant in disease. Therefore, it has been classified as a Variant of Uncertain Significance.